The following is an entry in ClinVar:

ClinVar aggregate classification (germline): Uncertain significance. Review status: criteria provided, multiple submitters, no conflicts (2 of 4 stars). 2 submissions from 2 submitters: Uncertain significance (2). Last evaluated 2025-05-19.

Conditions:
Hereditary diffuse gastric adenocarcinoma (HDGC). Also called: DIFFUSE GASTRIC AND LOBULAR BREAST CANCER SYNDROME. Identifiers: Orphanet 26106, MedGen C1708349, MONDO:0007648, OMIM 137215.
Hereditary cancer-predisposing syndrome. Also called: Tumor predisposition; Hereditary neoplastic syndrome; Neoplastic Syndromes, Hereditary; Hereditary Cancer Syndrome. Identifiers: Orphanet 140162, MedGen C0027672, MeSH D009386, MONDO:0015356.

Submissions (2):

Ambry Genetics
Classification: Uncertain significance for Hereditary cancer-predisposing syndrome. Last evaluated: 2025-05-19. Review status: criteria provided, single submitter. Criteria: Ambry Variant Classification Scheme 2023. Collection method: clinical testing. Allele origin: germline.
Comment: The p.G269A variant (also known as c.806G>C), located in coding exon 6 of the CDH1 gene, results from a G to C substitution at nucleotide position 806. The glycine at codon 269 is replaced by alanine, an amino acid with similar properties. This amino acid position is conserved. In addition, the in silico prediction for this alteration is inconclusive. Based on the available evidence, the clinical significance of this variant remains unclear.

Labcorp Genetics (formerly Invitae), Labcorp
Classification: Uncertain significance for Hereditary diffuse gastric adenocarcinoma. Last evaluated: 2024-05-21. Review status: criteria provided, single submitter. Criteria: Invitae Variant Classification Sherloc (09022015). Collection method: clinical testing. Allele origin: germline.
Comment: This sequence change replaces glycine, which is neutral and non-polar, with alanine, which is neutral and non-polar, at codon 269 of the CDH1 protein (p.Gly269Ala). This variant is not present in population databases (gnomAD no frequency). This variant has not been reported in the literature in individuals affected with CDH1-related conditions. An algorithm developed to predict the effect of missense changes on protein structure and function (PolyPhen-2) suggests that this variant is likely to be disruptive. In summary, the available evidence is currently insufficient to determine the role of this variant in disease. Therefore, it has been classified as a Variant of Uncertain Significance.

NM_004360.5(CDH1):c.806G>C (p.Gly269Ala)

Gene: CDH1 (cadherin 1; plus strand). Cytogenetic location: 16q22.1.
Variant type: single nucleotide variant.
Coding change: c.806G>C on transcript NM_004360.5 (MANE Select); coding-DNA position 806, G replaced by C.
Protein change: p.Gly269Ala; replaces glycine 269 with alanine.
Molecular consequence: missense variant. On other transcripts: 5 prime UTR variant (2).
Genome position (GRCh38, 1-based): chr16:68,810,315, G>C. VCF-style: chr16-68810315-G-C. GRCh37 (hg19) VCF-style: chr16-68844218-G-C.
Other names: c.806G>C, p.Gly269Ala (NM_001317184.2); c.-810G>C (NM_001317185.2); c.-1014G>C (NM_001317186.2); short protein forms G269A.
Identifiers: ClinVar variation 2968987 (VCV002968987.4), dbSNP rs2152131162, ClinGen allele CA396458878.